The following is an entry in ClinVar:

ClinVar aggregate classification (germline): Uncertain significance. Review status: criteria provided, multiple submitters, no conflicts (2 of 4 stars). 2 submissions from 2 submitters: Uncertain significance (2). Last evaluated 2025-08-04.

Conditions:
Inborn genetic diseases. Identifiers: MedGen C0950123, MeSH D030342.
Congenital myopathy with internal nuclei and atypical cores. Also called: Myopathy, centronuclear, 4. Identifiers: Orphanet 319160, MedGen C4707232, MONDO:0013890, OMIM 614807.

Allele frequency attached by ClinVar (database versions not stated): gnomAD 0.00001; TOPMed 0.00002.
gnomAD v4.1: 5 of 1,542,960 alleles (0.00032%); highest among the groups gnomAD compares: African/African-American, 0.0055%; no homozygotes.

Submissions (2):

Ambry Genetics
Classification: Uncertain significance for Inborn genetic diseases. Last evaluated: 2025-08-04. Review status: criteria provided, single submitter. Criteria: Ambry Variant Classification Scheme 2023. Collection method: clinical testing. Allele origin: germline.

Labcorp Genetics (formerly Invitae), Labcorp
Classification: Uncertain significance for Congenital myopathy with internal nuclei and atypical cores. Last evaluated: 2023-09-13. Review status: criteria provided, single submitter. Criteria: Invitae Variant Classification Sherloc (09022015). Collection method: clinical testing. Allele origin: germline.
Comment: In summary, the available evidence is currently insufficient to determine the role of this variant in disease. Therefore, it has been classified as a Variant of Uncertain Significance. An algorithm developed to predict the effect of missense changes on protein structure and function (PolyPhen-2) suggests that this variant is likely to be disruptive. ClinVar contains an entry for this variant (Variation ID: 2065647). This variant has not been reported in the literature in individuals affected with CCDC78-related conditions. The frequency data for this variant in the population databases is considered unreliable, as metrics indicate poor data quality at this position in the gnomAD database. This sequence change replaces threonine, which is neutral and polar, with isoleucine, which is neutral and non-polar, at codon 7 of the CCDC78 protein (p.Thr7Ile).

NM_001378030.1(CCDC78):c.20C>T (p.Thr7Ile)

Gene: CCDC78 (coiled-coil domain containing 78; minus strand). Cytogenetic location: 16p13.3.
Variant type: single nucleotide variant.
Coding change: c.20C>T on transcript NM_001378030.1 (MANE Select); coding-DNA position 20, C replaced by T.
Protein change: p.Thr7Ile; replaces threonine 7 with isoleucine.
Molecular consequence: missense variant. On other transcripts: non-coding transcript variant (3), intron variant (1).
Genome position (GRCh38, 1-based): chr16:726,348, G>A on the plus strand (C>T on the coding strand, the complement: CCDC78 is on the minus strand). VCF-style: chr16-726348-G-A. GRCh37 (hg19) VCF-style: chr16-776348-G-A.
Other names: c.20C>T, p.Thr7Ile (NM_001031737.3, NM_001378031.1); c.-225-263C>T (NM_001378033.1); c.20C>T (NM_001031737.2); short protein forms T7I.
Identifiers: ClinVar variation 2065647 (VCV002065647.5), dbSNP rs868059787, ClinGen allele CA276521208.